The following is an entry in ClinVar:

ClinVar aggregate classification (germline): Uncertain significance (1 of 4 stars; one submission).

Conditions:
Inborn genetic diseases. Identifiers: MedGen C0950123, MeSH D030342.

Submission:

Ambry Genetics
Classification: Uncertain significance for Inborn genetic diseases. Last evaluated: 2025-01-17. Review status: criteria provided, single submitter. Criteria: Ambry Variant Classification Scheme 2023. Collection method: clinical testing. Allele origin: germline.
Comment: The p.D356E variant (also known as c.1068C>G), located in coding exon 5 of the SH2B3 gene, results from a C to G substitution at nucleotide position 1068. The aspartic acid at codon 356 is replaced by glutamic acid, an amino acid with highly similar properties. This amino acid position is conserved. In addition, this alteration is predicted to be tolerated by in silico analysis. Based on the available evidence, the clinical significance of this variant remains unclear.

NM_005475.3(SH2B3):c.1068C>G (p.Asp356Glu)

Gene: SH2B3 (SH2B adaptor protein 3; plus strand). Cytogenetic location: 12q24.12.
Variant type: single nucleotide variant.
Coding change: c.1068C>G on transcript NM_005475.3 (MANE Select); coding-DNA position 1068, C replaced by G.
Protein change: p.Asp356Glu; replaces aspartic acid 356 with glutamic acid.
Molecular consequence: missense variant.
Genome position (GRCh38, 1-based): chr12:111,447,376, C>G. VCF-style: chr12-111447376-C-G. GRCh37 (hg19) VCF-style: chr12-111885180-C-G.
Other names: c.462C>G, p.Asp154Glu (NM_001291424.1); short protein forms D154E, D356E.
Identifiers: ClinVar variation 3795115 (VCV003795115.1).